The following is an entry in ClinVar:

ClinVar aggregate classification (germline): Conflicting classifications of pathogenicity. Review status: criteria provided, conflicting classifications (1 of 4 stars). 2 submissions from 2 submitters: Uncertain significance (1); Likely benign (1). Last evaluated 2025-12-27.

Conditions:
Autosomal dominant polycystic kidney disease. Identifiers: Orphanet 730, MedGen C0085413, MONDO:0004691.

Allele frequency attached by ClinVar (database versions not stated): gnomAD exomes 0.00003 and 0.00005; gnomAD 0.00004; TOPMed 0.00005.
gnomAD v4.1: 49 of 1,468,336 alleles (0.0033%); highest among the groups gnomAD compares: South Asian, 0.0039%; no homozygotes.

Submissions (2):

Labcorp Genetics (formerly Invitae), Labcorp
Classification: Likely benign for Autosomal dominant polycystic kidney disease. Last evaluated: 2025-12-27. Review status: criteria provided, single submitter. Criteria: Invitae Variant Classification Sherloc (09022015). Collection method: clinical testing. Allele origin: germline.

GeneDx
Classification: Uncertain significance. Last evaluated: 2023-11-15. Review status: criteria provided, single submitter. Criteria: GeneDx Variant Classification Process June 2021. Collection method: clinical testing. Allele origin: germline. Affected: yes.
Comment: In silico analysis supports that this variant does not alter splicing; Has not been previously published as pathogenic or benign to our knowledge

NM_000297.4(PKD2):c.531C>T (p.His177=)

Genes: PKD2 (polycystin 2, transient receptor potential cation channel; plus strand), LOC129992813 (ATAC-STARR-seq lymphoblastoid silent region 15559; plus strand). Cytogenetic location: 4q22.1.
Variant type: single nucleotide variant.
Coding change: c.531C>T on transcript NM_000297.4 (MANE Select); coding-DNA position 531, C replaced by T.
Protein change: p.His177=; no amino-acid change (histidine 177 retained).
Molecular consequence: synonymous variant. On other transcripts: non-coding transcript variant (1).
Genome position (GRCh38, 1-based): chr4:88,008,264, C>T. VCF-style: chr4-88008264-C-T. GRCh37 (hg19) VCF-style: chr4-88929416-C-T.
Identifiers: ClinVar variation 702927 (VCV000702927.9), dbSNP rs895731667, ClinGen allele CA100873335.